The following is an entry in ClinVar:

ClinVar aggregate classification (germline): Uncertain significance (1 of 4 stars; one submission).

Submission:

Labcorp Genetics (formerly Invitae), Labcorp
Classification: Uncertain significance. Last evaluated: 2025-06-11. Review status: criteria provided, single submitter. Criteria: Invitae Variant Classification Sherloc (09022015). Collection method: clinical testing. Allele origin: germline.
Comment: This sequence change replaces glutamine, which is neutral and polar, with lysine, which is basic and polar, at codon 401 of the POLE protein (p.Gln401Lys). This variant is not present in population databases (gnomAD no frequency). This variant has not been reported in the literature in individuals affected with POLE-related conditions. ClinVar contains an entry for this variant (Variation ID: 2966719). Invitae Evidence Modeling of protein sequence and biophysical properties (such as structural, functional, and spatial information, amino acid conservation, physicochemical variation, residue mobility, and thermodynamic stability) indicates that this missense variant is not expected to disrupt POLE protein function with a negative predictive value of 80%. In summary, the available evidence is currently insufficient to determine the role of this variant in disease. Therefore, it has been classified as a Variant of Uncertain Significance.

NM_006231.4(POLE):c.1201C>A (p.Gln401Lys)

Gene: POLE (DNA polymerase epsilon, catalytic subunit; minus strand). Cytogenetic location: 12q24.33.
Variant type: single nucleotide variant.
Coding change: c.1201C>A on transcript NM_006231.4 (MANE Select); coding-DNA position 1201, C replaced by A.
Protein change: p.Gln401Lys; replaces glutamine 401 with lysine.
Molecular consequence: missense variant.
Genome position (GRCh38, 1-based): chr12:132,675,423, G>T on the plus strand (C>A on the coding strand, the complement: POLE is on the minus strand). VCF-style: chr12-132675423-G-T. GRCh37 (hg19) VCF-style: chr12-133252009-G-T.
Other names: short protein forms Q401K.
Identifiers: ClinVar variation 2966719 (VCV002966719.3), dbSNP rs2542157770, ClinGen allele CA387360785.